The following is an entry in ClinVar:

ClinVar aggregate classification (germline): Pathogenic (1 of 4 stars; one submission).

Submission:

Labcorp Genetics (formerly Invitae), Labcorp
Classification: Pathogenic. Last evaluated: 2023-12-01. Review status: criteria provided, single submitter. Criteria: Invitae Variant Classification Sherloc (09022015). Collection method: clinical testing. Allele origin: germline.
Comment: This sequence change creates a premature translational stop signal (p.Asp151Thrfs*49) in the LZTR1 gene. It is expected to result in an absent or disrupted protein product. Loss-of-function variants in LZTR1 are known to be pathogenic (PMID: 24362817, 25335493, 25480913, 25795793, 29469822, 30368668, 30442762, 30442766, 30481304, 30859559). This variant is not present in population databases (gnomAD no frequency). This variant has not been reported in the literature in individuals affected with LZTR1-related conditions. For these reasons, this variant has been classified as Pathogenic.

Literature cited by the submitters: PubMed 24362817; PubMed 25335493; PubMed 25480913; PubMed 25795793; PubMed 29469822; PubMed 30368668; PubMed 30442762; PubMed 30442766; PubMed 30481304; PubMed 30859559.

NM_006767.4(LZTR1):c.451del (p.Asp151fs)

Gene: LZTR1 (leucine zipper like post translational regulator 1; plus strand). Cytogenetic location: 22q11.21.
Variant type: Deletion.
Coding change: c.451del on transcript NM_006767.4 (MANE Select); coding-DNA position 451, one base deleted (G; older notation c.451delG).
Protein change: p.Asp151fs; shifts the reading frame from aspartic acid 151.
Molecular consequence: frameshift variant.
Genome position (GRCh38, 1-based): chr22:20,988,060, G deleted. VCF-style (leftmost placement, unchanged base first): chr22-20988059-CG-C. GRCh37 (hg19) VCF-style: chr22-21342348-CG-C.
Other names: short protein forms D151fs.
Identifiers: ClinVar variation 3016900 (VCV003016900.3), dbSNP rs2518613289, ClinGen allele CA2740094787.